The following is an entry in ClinVar:

NM_004329.3(BMPR1A):c.160G>A (p.Asp54Asn)

Gene: BMPR1A (bone morphogenetic protein receptor type 1A; plus strand). Cytogenetic location: 10q23.2.
Variant type: single nucleotide variant.
Coding change: c.160G>A on transcript NM_004329.3 (MANE Select); coding-DNA position 160, G replaced by A.
Protein change: p.Asp54Asn; replaces aspartic acid 54 with asparagine.
Molecular consequence: missense variant.
Genome position (GRCh38, 1-based): chr10:86,890,154, G>A. VCF-style: chr10-86890154-G-A. GRCh37 (hg19) VCF-style: chr10-88649911-G-A.
Other names: short protein forms D54N.
Identifiers: ClinVar variation 1018429 (VCV001018429.12), dbSNP rs1843126765, ClinGen allele CA377446759.
Genomic context (GRCh38, chr10:86,890,154, plus strand): 5'-GGGATGAAATCAGACTCCGACCAGAAAAAGTCAGAAAATGGAGTAACCTTAGCACCAGAG[G>A]ATACCTTGCCTTTTTTAAAGTGCTATTGCTCAGGGCACTGTCCAGATGATGCTATTAATA-3'
Protein context (NP_004320.2, residues 44-64): SENGVTLAPE[Asp54Asn]TLPFLKCYCS

ClinVar aggregate classification (germline): Uncertain significance. Review status: criteria provided, multiple submitters, no conflicts (2 of 4 stars). 3 submissions from 3 submitters: Uncertain significance (3). Last evaluated 2023-12-15.

Conditions:
Hereditary cancer-predisposing syndrome. Also called: Tumor predisposition; Hereditary Cancer Syndrome; Neoplastic Syndromes, Hereditary; Hereditary neoplastic syndrome. Identifiers: Orphanet 140162, MedGen C0027672, MeSH D009386, MONDO:0015356.
Juvenile polyposis syndrome (JPS). Identifiers: Orphanet 2929, MedGen C0345893, MONDO:0017380, OMIM 174900.

Submissions (3):

Labcorp Genetics (formerly Invitae), Labcorp
Classification: Uncertain significance for Juvenile polyposis syndrome. Last evaluated: 2023-12-15. Review status: criteria provided, single submitter. Criteria: Invitae Variant Classification Sherloc (09022015). Collection method: clinical testing. Allele origin: germline.
Comment: This sequence change replaces aspartic acid, which is acidic and polar, with asparagine, which is neutral and polar, at codon 54 of the BMPR1A protein (p.Asp54Asn). This variant is not present in population databases (gnomAD no frequency). This variant has not been reported in the literature in individuals affected with BMPR1A-related conditions. ClinVar contains an entry for this variant (Variation ID: 1018429). Advanced modeling of protein sequence and biophysical properties (such as structural, functional, and spatial information, amino acid conservation, physicochemical variation, residue mobility, and thermodynamic stability) performed at Invitae indicates that this missense variant is not expected to disrupt BMPR1A protein function with a negative predictive value of 95%. In summary, the available evidence is currently insufficient to determine the role of this variant in disease. Therefore, it has been classified as a Variant of Uncertain Significance.

Ambry Genetics
Classification: Uncertain significance for Hereditary cancer-predisposing syndrome. Last evaluated: 2022-10-31. Review status: criteria provided, single submitter. Criteria: Ambry Variant Classification Scheme 2023. Collection method: clinical testing. Allele origin: germline.
Comment: The p.D54N variant (also known as c.160G>A), located in coding exon 2 of the BMPR1A gene, results from a G to A substitution at nucleotide position 160. The aspartic acid at codon 54 is replaced by asparagine, an amino acid with highly similar properties. This amino acid position is conserved. In addition, this alteration is predicted to be tolerated by in silico analysis. Since supporting evidence is limited at this time, the clinical significance of this alteration remains unclear.

Color Diagnostics, LLC DBA Color Health
Classification: Uncertain significance for Hereditary cancer-predisposing syndrome. Last evaluated: 2021-03-16. Review status: criteria provided, single submitter. Criteria: ACMG Guidelines, 2015. Collection method: clinical testing. Allele origin: germline.
Comment: This missense variant replaces aspartic acid with asparagine at codon 54 of the BMPR1A protein. Computational prediction suggests that this variant may not impact protein structure and function (internally defined REVEL score threshold <= 0.5, PMID: 27666373). To our knowledge, functional studies have not been reported for this variant. This variant has not been reported in individuals affected with hereditary cancer in the literature. This variant has not been identified in the general population by the Genome Aggregation Database (gnomAD). The available evidence is insufficient to determine the role of this variant in disease conclusively. Therefore, this variant is classified as a Variant of Uncertain Significance.